The following is an entry in ClinVar:

NM_014140.4(SMARCAL1):c.2424del (p.Val810fs)

Gene: SMARCAL1 (SNF2 related chromatin remodeling annealing helicase 1; plus strand). Cytogenetic location: 2q35.
Variant type: Deletion.
Coding change: c.2424del on transcript NM_014140.4 (MANE Select); coding-DNA position 2424, one base deleted (A; older notation c.2424delA).
Protein change: p.Val810fs; shifts the reading frame from valine 810.
Molecular consequence: frameshift variant.
Genome position (GRCh38, 1-based): chr2:216,475,448, A deleted. VCF-style (leftmost placement, unchanged base first): chr2-216475447-CA-C. GRCh37 (hg19) VCF-style: chr2-217340170-CA-C.
Other names: c.2424del, p.Val810fs (NM_001127207.2); short protein forms V810fs.
Identifiers: ClinVar variation 1070110 (VCV001070110.7), dbSNP rs2106086566, ClinGen allele CA2499215649.

ClinVar aggregate classification (germline): Pathogenic (1 of 4 stars; one submission).

Conditions:
Schimke immuno-osseous dysplasia (SIOD). Also called: Schimke Immunoosseous Dysplasia. Identifiers: Orphanet 1830, MedGen C0877024, MONDO:0009458, OMIM 242900.

Submission:

Labcorp Genetics (formerly Invitae), Labcorp
Classification: Pathogenic for Schimke immuno-osseous dysplasia. Last evaluated: 2020-08-14. Review status: criteria provided, single submitter. Criteria: Invitae Variant Classification Sherloc (09022015). Collection method: clinical testing. Allele origin: germline.
Comment: This variant has not been reported in the literature in individuals with SMARCAL1-related conditions. For these reasons, this variant has been classified as Pathogenic. Loss-of-function variants in SMARCAL1 are known to be pathogenic (PMID: 11799392, 20301550). This variant is not present in population databases (ExAC no frequency). This sequence change creates a premature translational stop signal (p.Val810Cysfs*2) in the SMARCAL1 gene. It is expected to result in an absent or disrupted protein product.

Literature cited by the submitters: PubMed 11799392; PubMed 20301550.